The following is an entry in ClinVar:

NM_000142.5(FGFR3):c.172G>A (p.Glu58Lys)

Gene: FGFR3 (fibroblast growth factor receptor 3; plus strand). Cytogenetic location: 4p16.3.
Variant type: single nucleotide variant.
Coding change: c.172G>A on transcript NM_000142.5 (MANE Select); coding-DNA position 172, G replaced by A.
Protein change: p.Glu58Lys; replaces glutamic acid 58 with lysine.
Molecular consequence: missense variant. On other transcripts: non-coding transcript variant (1).
Genome position (GRCh38, 1-based): chr4:1,799,316, G>A. VCF-style: chr4-1799316-G-A. GRCh37 (hg19) VCF-style: chr4-1801043-G-A.
Other names: c.172G>A, p.Glu58Lys (NM_001163213.2, NM_001354809.2, NM_001354810.2 and 1 more transcripts); short protein forms E58K.
Identifiers: ClinVar variation 2916942 (VCV002916942.4), dbSNP rs374561001, ClinGen allele CA2809734.
Genomic context (GRCh38, chr4:1,799,316, plus strand): 5'-GTCCCGGGCCCAGAGCCCGGCCAGCAGGAGCAGTTGGTCTTCGGCAGCGGGGATGCTGTG[G>A]AGCTGAGCTGTCCCCCGCCCGGGGGTGGTCCCATGGGGCCCACTGTCTGGGTCAAGGATG-3'
Protein context (NP_000133.1, residues 48-68): QLVFGSGDAV[Glu58Lys]LSCPPPGGGP

ClinVar aggregate classification (germline): Uncertain significance. Review status: criteria provided, multiple submitters, no conflicts (2 of 4 stars). 2 submissions from 2 submitters: Uncertain significance (2). Last evaluated 2026-06-23.

Conditions:
Hypochondroplasia (HCH). Identifiers: Orphanet 429, MedGen C0410529, MONDO:0007793, OMIM 146000. Disease mechanism: gain of function.

Allele frequency attached by ClinVar (database versions not stated): gnomAD 0.00001; ESP Exome Variant Server 0.00008; gnomAD exomes 0.00002; ExAC 0.00001; TOPMed 0.00002.
gnomAD v4.1: 31 of 1,612,570 alleles (0.0019%); highest among the groups gnomAD compares: Non-Finnish European, 0.0025%; no homozygotes.

Submissions (2):

Genomenon, Inc
Classification: Uncertain significance for Hypochondroplasia. Last evaluated: 2026-06-23. Review status: criteria provided, single submitter. Criteria: Genomenon Sequence Variant Interpretation Standards - Updated. Collection method: curation. Allele origin: germline. Affected: yes.
Comment: FGFR3 p.Glu58Lys (c.172G>A) is a missense variant that changes the amino acid at codon 58 from Glutamic acid to Lysine. This variant has been observed in at least one proband with hypochondroplasia (PMID:37814549). It is absent or not present at a significant frequency in gnomAD. In silico models predict that this variant is not damaging. In conclusion, we classify FGFR3 p.Glu58Lys (c.172G>A) as a variant of uncertain significance.

Labcorp Genetics (formerly Invitae), Labcorp
Classification: Uncertain significance. Last evaluated: 2023-10-29. Review status: criteria provided, single submitter. Criteria: Invitae Variant Classification Sherloc (09022015). Collection method: clinical testing. Allele origin: germline.
Comment: This sequence change replaces glutamic acid, which is acidic and polar, with lysine, which is basic and polar, at codon 58 of the FGFR3 protein (p.Glu58Lys). This variant is present in population databases (rs374561001, gnomAD 0.003%). This variant has not been reported in the literature in individuals affected with FGFR3-related conditions. Advanced modeling of protein sequence and biophysical properties (such as structural, functional, and spatial information, amino acid conservation, physicochemical variation, residue mobility, and thermodynamic stability) performed at Invitae indicates that this missense variant is not expected to disrupt FGFR3 protein function with a negative predictive value of 95%. In summary, the available evidence is currently insufficient to determine the role of this variant in disease. Therefore, it has been classified as a Variant of Uncertain Significance.

Literature cited by the submitters: PubMed 37814549 (cited by Genomenon, Inc).